The following is an entry in ClinVar:

NM_001042472.3(ABHD12):c.94G>T (p.Ala32Ser)

Genes: ABHD12 (abhydrolase domain containing 12, lysophospholipase; minus strand), LOC130065586 (ATAC-STARR-seq lymphoblastoid silent region 12752; plus strand). Cytogenetic location: 20p11.21.
Variant type: single nucleotide variant.
Coding change: c.94G>T on transcript NM_001042472.3 (MANE Select); coding-DNA position 94, G replaced by T.
Protein change: p.Ala32Ser; replaces alanine 32 with serine.
Molecular consequence: missense variant.
Genome position (GRCh38, 1-based): chr20:25,390,610, C>A on the plus strand (G>T on the coding strand, the complement: ABHD12 is on the minus strand). VCF-style: chr20-25390610-C-A. GRCh37 (hg19) VCF-style: chr20-25371246-C-A.
Other names: c.94G>T, p.Ala32Ser (NM_015600.5); c.94G>T (NM_001042472.2); short protein forms A32S.
Identifiers: ClinVar variation 1448947 (VCV001448947.11), dbSNP rs768563605, ClinGen allele CA9796323.

ClinVar aggregate classification (germline): Uncertain significance. Review status: criteria provided, multiple submitters, no conflicts (2 of 4 stars). 4 submissions from 4 submitters: Uncertain significance (3). 1 of the submissions does not count toward it. Last evaluated 2024-06-03.

Conditions:
Inborn genetic diseases. Identifiers: MedGen C0950123, MeSH D030342.
Retinal dystrophy. Also called: Inherited retinal dystrophy. Identifiers: Orphanet 71862, MedGen C0854723, MeSH D058499, MONDO:0019118, HP:0000556.
PHARC syndrome. Also called: Polyneuropathy-hearing loss-ataxia-retinitis pigmentosa-cataract syndrome. Identifiers: Orphanet 171848, MedGen C2675204, MONDO:0012984, OMIM 612674.

Allele frequency attached by ClinVar (database versions not stated): gnomAD 0.00006 and 0.00008; ExAC 0.00010; 1000 Genomes Project 30x 0.00016.
gnomAD v4.1: 27 of 1,464,850 alleles (0.0018%); highest among the groups gnomAD compares: Middle Eastern, 0.044%; no homozygotes.

Submissions (4):

Ambry Genetics
Classification: Uncertain significance for Inborn genetic diseases. Last evaluated: 2024-06-03. Review status: criteria provided, single submitter. Criteria: Ambry Variant Classification Scheme 2023. Collection method: clinical testing. Allele origin: germline.

Labcorp Genetics (formerly Invitae), Labcorp
Classification: Uncertain significance. Last evaluated: 2023-10-03. Review status: criteria provided, single submitter. Criteria: Invitae Variant Classification Sherloc (09022015). Collection method: clinical testing. Allele origin: germline.
Comment: This sequence change replaces alanine, which is neutral and non-polar, with serine, which is neutral and polar, at codon 32 of the ABHD12 protein (p.Ala32Ser). The frequency data for this variant in the population databases is considered unreliable, as metrics indicate poor data quality at this position in the gnomAD database. This variant has not been reported in the literature in individuals affected with ABHD12-related conditions. ClinVar contains an entry for this variant (Variation ID: 1448947). An algorithm developed to predict the effect of missense changes on protein structure and function (PolyPhen-2) suggests that this variant¬†is likely to be tolerated. In summary, the available evidence is currently insufficient to determine the role of this variant in disease. Therefore, it has been classified as a Variant of Uncertain Significance.

Fulgent Genetics
Classification: Uncertain significance for PHARC syndrome. Last evaluated: 2021-07-11. Review status: criteria provided, single submitter. Criteria: ACMG Guidelines, 2015. Collection method: clinical testing. Allele origin: unknown.

Institute of Human Genetics, Univ. Regensburg, Univ. Regensburg
Classification: Uncertain significance for Retinal dystrophy. Last evaluated: 2022-01-01. Review status: no assertion criteria provided. Criteria: ACMG Guidelines, 2015. Collection method: clinical testing. Allele origin: germline. Affected: yes. Not counted in ClinVar's aggregate classification.